The following is an entry in ClinVar:

ClinVar aggregate classification (germline): Likely pathogenic. Review status: criteria provided, multiple submitters, no conflicts (2 of 4 stars). 2 submissions from 2 submitters: Likely pathogenic (2). Last evaluated 2025-11-06.

Conditions:
Acute infantile liver failure due to synthesis defect of mtDNA-encoded proteins. Also called: Liver failure acute infantile; LIVER FAILURE, INFANTILE, TRANSIENT; TRMU Deficiency. Identifiers: Orphanet 217371, MedGen C3278664, MONDO:0013111, OMIM 613070.
Aminoglycoside-induced deafness. Also called: DEAFNESS, STREPTOMYCIN-INDUCED; STREPTOMYCIN OTOTOXICITY; MT-RNR1-Related Hearing Loss and Deafness. Identifiers: Orphanet 168609, MedGen C1838854, MONDO:0010799, OMIM 580000.

Submissions (2):

Natera, Inc.
Classification: Likely pathogenic for Acute infantile liver failure due to synthesis defect of mtDNA-encoded proteins. Last evaluated: 2025-11-06. Review status: criteria provided, single submitter. Criteria: Natera Variant Classification Schema (03/2026). Collection method: clinical testing. Allele origin: germline.
Comment: The c.994del variant in TRMU is a frameshift variant predicted to shift the reading frame beginning at codon 332 and leads to a stop codon 8 codons downstream. This variant is expected to result in nonsense mediated decay, truncation, or a dysfunctional protein product. This variant is rare in the general population with a frequency below the threshold expected for the associated phenotype(s). Given the available evidence, this variant is classified as Likely Pathogenic.

Baylor Genetics
Classification: Likely pathogenic for Aminoglycoside-induced deafness. Last evaluated: 2024-02-26. Review status: criteria provided, single submitter. Criteria: ACMG Guidelines, 2015. Collection method: clinical testing. Allele origin: unknown.

NM_018006.5(TRMU):c.994del (p.Arg332fs)

Gene: TRMU (tRNA mitochondrial 2-thiouridylase; plus strand). Cytogenetic location: 22q13.31.
Variant type: Deletion.
Coding change: c.994del on transcript NM_018006.5 (MANE Select); coding-DNA position 994, one base deleted (C; older notation c.994delC).
Protein change: p.Arg332fs; shifts the reading frame from arginine 332.
Molecular consequence: frameshift variant. On other transcripts: non-coding transcript variant (2).
Genome position (GRCh38, 1-based): chr22:46,355,564, C deleted; the last of 2 consecutive C bases (chr22:46,355,563-46,355,564); deleting either gives the same sequence. VCF-style (leftmost placement, unchanged base first): chr22-46355562-TC-T. GRCh37 (hg19) VCF-style: chr22-46751459-TC-T.
Other names: c.994del (NM_018006.4); c.*438delC (NM_001008568.2); c.*532delC (NM_001008570.2); c.652del, p.Arg218fs (NM_001282782.2); c.574del, p.Arg192fs (NM_001282783.2, NM_001282784.2); c.994del, p.Arg332fs (NM_001282785.2); short protein forms R192fs, R218fs, R332fs.
Identifiers: ClinVar variation 3240640 (VCV003240640.2), dbSNP rs2518212002.